The following is an entry in ClinVar:

NM_005219.5(DIAPH1):c.47A>G (p.Asp16Gly)

Gene: DIAPH1 (diaphanous related formin 1; minus strand). Cytogenetic location: 5q31.3.
Variant type: single nucleotide variant.
Coding change: c.47A>G on transcript NM_005219.5 (MANE Select); coding-DNA position 47, A replaced by G.
Protein change: p.Asp16Gly; replaces aspartic acid 16 with glycine.
Molecular consequence: missense variant.
Genome position (GRCh38, 1-based): chr5:141,618,868, T>C on the plus strand (A>G on the coding strand, the complement: DIAPH1 is on the minus strand). VCF-style: chr5-141618868-T-C. GRCh37 (hg19) VCF-style: chr5-140998435-T-C.
Other names: c.47A>G, p.Asp16Gly (NM_001079812.3, NM_001314007.2); short protein forms D16G.
Identifiers: ClinVar variation 2089143 (VCV002089143.4), dbSNP rs1436832097, ClinGen allele CA361508751.

ClinVar aggregate classification (germline): Uncertain significance (1 of 4 stars; one submission).

Conditions:
Autosomal dominant nonsyndromic hearing loss 1. Also called: KONIGSMARK SYNDROME; DEAFNESS, AUTOSOMAL DOMINANT 1, WITH OR WITHOUT THROMBOCYTOPENIA. Identifiers: Orphanet 90635, MedGen C1852282, MONDO:0007424, OMIM 124900.
Progressive microcephaly-seizures-cortical blindness-developmental delay syndrome. Also called: Seizures, cortical blindness, and microcephaly syndrome. Identifiers: Orphanet 477814, MedGen C5567650, MONDO:0014714, OMIM 616632.

Allele frequency attached by ClinVar (database versions not stated): gnomAD exomes below 0.00001.
gnomAD v4.1: 5 of 1,523,884 alleles (0.00033%); highest among the groups gnomAD compares: Non-Finnish European, 0.00044%; no homozygotes.

Submission:

Labcorp Genetics (formerly Invitae), Labcorp
Classification: Uncertain significance for Progressive microcephaly-seizures-cortical blindness-developmental delay syndrome; Autosomal dominant nonsyndromic hearing loss 1. Last evaluated: 2022-01-22. Review status: criteria provided, single submitter. Criteria: Invitae Variant Classification Sherloc (09022015). Collection method: clinical testing. Allele origin: germline.
Comment: In summary, the available evidence is currently insufficient to determine the role of this variant in disease. Therefore, it has been classified as a Variant of Uncertain Significance. Algorithms developed to predict the effect of missense changes on protein structure and function are either unavailable or do not agree on the potential impact of this missense change (SIFT: "Deleterious"; PolyPhen-2: "Not Available"; Align-GVGD: "Class C0"). This variant has not been reported in the literature in individuals affected with DIAPH1-related conditions. The frequency data for this variant in the population databases is considered unreliable, as metrics indicate poor data quality at this position in the gnomAD database. This sequence change replaces aspartic acid, which is acidic and polar, with glycine, which is neutral and non-polar, at codon 16 of the DIAPH1 protein (p.Asp16Gly).